The following is an entry in ClinVar:

NM_000891.3(KCNJ2):c.1253C>T (p.Pro418Leu)

Gene: KCNJ2 (potassium inwardly rectifying channel subfamily J member 2; plus strand). Cytogenetic location: 17q24.3.
Variant type: single nucleotide variant.
Coding change: c.1253C>T on transcript NM_000891.3 (MANE Select); coding-DNA position 1253, C replaced by T.
Protein change: p.Pro418Leu; replaces proline 418 with leucine.
Molecular consequence: missense variant.
Genome position (GRCh38, 1-based): chr17:70,176,292, C>T. VCF-style: chr17-70176292-C-T. GRCh37 (hg19) VCF-style: chr17-68172433-C-T.
Other names: short protein forms P418L.
Identifiers: ClinVar variation 4783747 (VCV004783747.1).

ClinVar aggregate classification (germline): Uncertain significance (1 of 4 stars; one submission).

Conditions:
Short QT syndrome type 3. Identifiers: Orphanet 51083, MedGen C1865018, MONDO:0012314, OMIM 609622.
Andersen Tawil syndrome (LQT7). Also called: Potassium-sensitive periodic paralysis, ventricular ectopy, and dysmorphic features; ANDERSEN CARDIODYSRHYTHMIC PERIODIC PARALYSIS; LONG QT SYNDROME 7; PERIODIC PARALYSIS, POTASSIUM-SENSITIVE CARDIODYSRHYTHMIC TYPE; Andersen Syndrome. Identifiers: Orphanet 37553, MedGen C1563715, MONDO:0008222, OMIM 170390.

Submission:

Labcorp Genetics (formerly Invitae), Labcorp
Classification: Uncertain significance for Short QT syndrome type 3; Andersen Tawil syndrome. Last evaluated: 2026-01-10. Review status: criteria provided, single submitter. Criteria: Invitae Variant Classification Sherloc (09022015). Collection method: clinical testing. Allele origin: germline.
Comment: This sequence change replaces proline, which is neutral and non-polar, with leucine, which is neutral and non-polar, at codon 418 of the KCNJ2 protein (p.Pro418Leu). This variant is not present in population databases (gnomAD no frequency). This variant has not been reported in the literature in individuals affected with KCNJ2-related conditions. Invitae Evidence Modeling of protein sequence and biophysical properties (such as structural, functional, and spatial information, amino acid conservation, physicochemical variation, residue mobility, and thermodynamic stability) indicates that this missense variant is not expected to disrupt KCNJ2 protein function with a negative predictive value of 95%. In summary, the available evidence is currently insufficient to determine the role of this variant in disease. Therefore, it has been classified as a Variant of Uncertain Significance.